The following is an entry in ClinVar:

ClinVar aggregate classification (germline): Conflicting classifications of pathogenicity. Review status: criteria provided, conflicting classifications (1 of 4 stars). 2 submissions from 2 submitters: Uncertain significance (1); Likely benign (1). Last evaluated 2026-03-19.

Conditions:
Congenital contractural arachnodactyly (CCA). Also called: BEALS SYNDROME; Arthrogryposis, distal, type 9; Beals-Hecht syndrome. Identifiers: Orphanet 115, MedGen C0220668, MONDO:0007363, OMIM 121050.

Allele frequency attached by ClinVar (database versions not stated): gnomAD 0.00002; gnomAD exomes 0.00005; ExAC 0.00013.
gnomAD v4.1: 80 of 1,613,030 alleles (0.005%); highest among the groups gnomAD compares: South Asian, 0.087%; no homozygotes.

Submissions (2):

GeneDx
Classification: Uncertain significance. Last evaluated: 2026-03-19. Review status: criteria provided, single submitter. Criteria: GeneDx Variant Classification Process June 2021. Collection method: clinical testing. Allele origin: germline.
Comment: In silico analysis supports that this missense variant has a deleterious effect on protein structure/function; Although located in a calcium-binding EGF-like domain of the FBN2 gene, it does not substitute or introduce a cysteine residue (PMID: 19006240, 18767143); Has not been previously published as pathogenic or benign to our knowledge; This variant is associated with the following publications: (PMID: 19006240, 18767143)

Labcorp Genetics (formerly Invitae), Labcorp
Classification: Likely benign for Congenital contractural arachnodactyly. Last evaluated: 2024-01-06. Review status: criteria provided, single submitter. Criteria: Invitae Variant Classification Sherloc (09022015). Collection method: clinical testing. Allele origin: germline.

NM_001999.4(FBN2):c.533C>T (p.Pro178Leu)

Gene: FBN2 (fibrillin 2; minus strand). Cytogenetic location: 5q23.3.
Variant type: single nucleotide variant.
Coding change: c.533C>T on transcript NM_001999.4 (MANE Select); coding-DNA position 533, C replaced by T.
Protein change: p.Pro178Leu; replaces proline 178 with leucine.
Molecular consequence: missense variant.
Genome position (GRCh38, 1-based): chr5:128,519,368, G>A on the plus strand (C>T on the coding strand, the complement: FBN2 is on the minus strand). VCF-style: chr5-128519368-G-A. GRCh37 (hg19) VCF-style: chr5-127855061-G-A.
Other names: c.533C>T (NM_001999.3); short protein forms P178L.
Identifiers: ClinVar variation 2911657 (VCV002911657.4), dbSNP rs754989424, ClinGen allele CA3396077.